The following is an entry in ClinVar:

NM_000503.6(EYA1):c.*104C>T

Gene: EYA1 (EYA transcriptional coactivator and phosphatase 1; minus strand). Cytogenetic location: 8q13.3.
Variant type: single nucleotide variant.
Coding change: c.*104C>T on transcript NM_000503.6 (MANE Select); 104 bases downstream of the stop codon, C replaced by T.
Molecular consequence: 3 prime UTR variant.
Genome position (GRCh38, 1-based): chr8:71,199,236, G>A on the plus strand (C>T on the coding strand, the complement: EYA1 is on the minus strand). VCF-style: chr8-71199236-G-A. GRCh37 (hg19) VCF-style: chr8-72111471-G-A.
Other names: c.*104C>T (NM_001288574.2, NM_001288575.2, NM_001370333.1 and 5 more transcripts).
Identifiers: ClinVar variation 910385 (VCV000910385.4), dbSNP rs545764396, ClinGen allele CA179471851.

ClinVar aggregate classification (germline): Benign. Review status: criteria provided, single submitter (1 of 4 stars). 2 submissions from 1 submitter: Benign (2). Last evaluated 2018-01-13.

Conditions:
Otofaciocervical syndrome 1 (OTFCS). Identifiers: MedGen C3714941, MONDO:0024532, OMIM 166780.
Branchiootic syndrome 1 (BOS1). Also called: BO SYNDROME 1; BRANCHIOOTIC DYSPLASIA. Identifiers: MedGen C1865143, MONDO:0011258, OMIM 602588.

Allele frequency attached by ClinVar (database versions not stated): TOPMed 0.00013; gnomAD 0.00014 and 0.00019; gnomAD exomes 0.00015; 1000 Genomes Project 30x 0.00062; 1000 Genomes Project 0.00080.
gnomAD v4.1: 127 of 814,112 alleles (0.016%); highest among the groups gnomAD compares: South Asian, 0.052%; no homozygotes.

Submissions (2):

Illumina Laboratory Services, Illumina
Classification: Benign for Otofaciocervical syndrome 1. Last evaluated: 2018-01-13. Review status: criteria provided, single submitter. Criteria: ICSL Variant Classification Criteria 13 December 2019. Collection method: clinical testing. Allele origin: germline.
Comment: This variant was observed in the ICSL laboratory as part of a predisposition screen in an ostensibly healthy population. It had not been previously curated by ICSL or reported in the Human Gene Mutation Database (HGMD: prior to June 1st, 2018), and was therefore a candidate for classification through an automated scoring system. Utilizing variant allele frequency, disease prevalence and penetrance estimates, and inheritance mode, an automated score was calculated to assess if this variant is too frequent to cause the disease. Based on the score and internal cut-off values, a variant classified as benign is not then subjected to further curation. The score for this variant resulted in a classification of benign for this disease.

Illumina Laboratory Services, Illumina
Classification: Benign for Branchiootic syndrome. Last evaluated: 2018-01-13. Review status: criteria provided, single submitter. Criteria: ICSL Variant Classification Criteria 13 December 2019. Collection method: clinical testing. Allele origin: germline.
Comment: the same text as in the submission from Illumina Laboratory Services, Illumina above.